The following is an entry in ClinVar:

ClinVar aggregate classification (germline): Uncertain significance (1 of 4 stars; one submission).

Conditions:
Cryptosporidiosis-chronic cholangitis-liver disease syndrome. Also called: Immunodeficiency type 56; IL21R immunodeficiency. Identifiers: Orphanet 357329, MedGen C3554687, MONDO:0014082, OMIM 615207.

Submission:

Labcorp Genetics (formerly Invitae), Labcorp
Classification: Uncertain significance for Cryptosporidiosis-chronic cholangitis-liver disease syndrome. Last evaluated: 2023-03-16. Review status: criteria provided, single submitter. Criteria: Invitae Variant Classification Sherloc (09022015). Collection method: clinical testing. Allele origin: germline.
Comment: In summary, the available evidence is currently insufficient to determine the role of this variant in disease. Therefore, it has been classified as a Variant of Uncertain Significance. This variant has not been reported in the literature in individuals affected with IL21R-related conditions. This variant is not present in population databases (gnomAD no frequency). This sequence change creates a premature translational stop signal (p.Pro259Hisfs*121) in the IL21R gene. While this is not anticipated to result in nonsense mediated decay, it is expected to disrupt the last 280 amino acid(s) of the IL21R protein.

NM_181078.3(IL21R):c.776del (p.Pro259fs)

Gene: IL21R (interleukin 21 receptor; plus strand). Cytogenetic location: 16p12.1.
Variant type: Deletion.
Coding change: c.776del on transcript NM_181078.3 (MANE Select); coding-DNA position 776, one base deleted (C; older notation c.776delC).
Protein change: p.Pro259fs; shifts the reading frame from proline 259.
Molecular consequence: frameshift variant.
Genome position (GRCh38, 1-based): chr16:27,445,267, C deleted; the last of 2 consecutive C bases (chr16:27,445,266-27,445,267); deleting either gives the same sequence. VCF-style (leftmost placement, unchanged base first): chr16-27445265-TC-T. GRCh37 (hg19) VCF-style: chr16-27456586-TC-T.
Other names: c.776del, p.Pro259fs (NM_021798.4); c.842del, p.Pro281fs (NM_181079.5); short protein forms P281fs, P259fs.
Identifiers: ClinVar variation 2845418 (VCV002845418.3), dbSNP rs2543384447, ClinGen allele CA2739266710.